The following is an entry in ClinVar:

ClinVar aggregate classification (germline): Likely pathogenic (1 of 4 stars; one submission).

Conditions:
Congenital myasthenic syndrome 4A. Also called: MYASTHENIC SYNDROME, CONGENITAL, 4A, SLOW-CHANNEL, AUTOSOMAL RECESSIVE; CONGENITAL MYASTHENIC SYNDROME TYPE Ia1; Myasthenic syndrome, congenital, 4a, slow-channel. Identifiers: Orphanet 590, MedGen C4225413, MONDO:0011600, OMIM 605809.

Allele frequency attached by ClinVar (database versions not stated): gnomAD exomes below 0.00001.
gnomAD v4.1: 1 of 1,614,086 alleles (0.000062%); highest among the groups gnomAD compares: Admixed American, 0.0017%; no homozygotes.

Submission:

Labcorp Genetics (formerly Invitae), Labcorp
Classification: Likely pathogenic for Congenital myasthenic syndrome 4A. Last evaluated: 2023-02-22. Review status: criteria provided, single submitter. Criteria: Invitae Variant Classification Sherloc (09022015). Collection method: clinical testing. Allele origin: germline.
Comment: In summary, the currently available evidence indicates that the variant is pathogenic, but additional data are needed to prove that conclusively. Therefore, this variant has been classified as Likely Pathogenic. Algorithms developed to predict the effect of sequence changes on RNA splicing suggest that this variant may disrupt the consensus splice site. ClinVar contains an entry for this variant (Variation ID: 1484588). This variant has not been reported in the literature in individuals affected with CHRNE-related conditions. This variant is not present in population databases (gnomAD no frequency). This sequence change affects a donor splice site in intron 1 of the CHRNE gene. It is expected to disrupt RNA splicing. Variants that disrupt the donor or acceptor splice site typically lead to a loss of protein function (PMID: 16199547), and loss-of-function variants in CHRNE are known to be pathogenic (PMID: 22678886).

Literature cited by the submitters: PubMed 16199547; PubMed 22678886.

NM_000080.4(CHRNE):c.46+1G>T

Genes: C17orf107 (chromosome 17 open reading frame 107; plus strand), CHRNE (cholinergic receptor nicotinic epsilon subunit; minus strand). Cytogenetic location: 17p13.2.
Variant type: single nucleotide variant.
Coding change: c.46+1G>T on transcript NM_000080.4 (MANE Select); the canonical splice donor site of the intron after coding-DNA position 46, G replaced by T.
Molecular consequence: splice donor variant.
Genome position (GRCh38, 1-based): chr17:4,903,017, C>A on the plus strand (G>T on the coding strand, the complement: CHRNE is on the minus strand). VCF-style: chr17-4903017-C-A. GRCh37 (hg19) VCF-style: chr17-4806312-C-A.
Identifiers: ClinVar variation 1484588 (VCV001484588.6), dbSNP rs746199600, ClinGen allele CA397307992.